The following is an entry in ClinVar:

ClinVar aggregate classification (germline): Pathogenic (1 of 4 stars; one submission).

Conditions:
Arrhythmogenic right ventricular dysplasia 12. Also called: ARRHYTHMOGENIC RIGHT VENTRICULAR DYSPLASIA, FAMILIAL, 12. Identifiers: MedGen C1969081, MONDO:0012684, OMIM 611528.
Naxos disease (NXD). Also called: KERATOSIS PALMOPLANTARIS WITH ARRHYTHMOGENIC CARDIOMYOPATHY; MAL DE NAXOS; PALMOPLANTAR KERATODERMA WITH ARRHYTHMOGENIC RIGHT VENTRICULAR CARDIOMYOPATHY AND WOOLLY HAIR; WOOLLY HAIR, PALMOPLANTAR KERATODERMA, AND CARDIAC ABNORMALITIES; CARDIOMYOPATHY, ARRHYTHMOGENIC RIGHT VENTRICULAR, WITH SKIN, HAIR, AND NAIL ABNORMALITIES. Identifiers: Orphanet 34217, MedGen C1832600, MONDO:0011017, OMIM 601214.

Submission:

Labcorp Genetics (formerly Invitae), Labcorp
Classification: Pathogenic for Arrhythmogenic right ventricular dysplasia 12; Naxos disease. Last evaluated: 2024-01-27. Review status: criteria provided, single submitter. Criteria: Invitae Variant Classification Sherloc (09022015). Collection method: clinical testing. Allele origin: germline.
Comment: This sequence change creates a premature translational stop signal (p.Val402Glyfs*2) in the JUP gene. It is expected to result in an absent or disrupted protein product. Loss-of-function variants in JUP are known to be pathogenic (PMID: 10902626). This variant is present in population databases (no rsID available, gnomAD 0.002%). This variant has not been reported in the literature in individuals affected with JUP-related conditions. For these reasons, this variant has been classified as Pathogenic.

Literature cited by the submitters: PubMed 10902626.

NM_002230.4(JUP):c.1205_1206del (p.Val402fs)

Gene: JUP (junction plakoglobin; minus strand). Cytogenetic location: 17q21.2.
Variant type: Microsatellite.
Coding change: c.1205_1206del on transcript NM_002230.4 (MANE Select); coding-DNA positions 1205 to 1206, 2 bases deleted (TG; older notation c.1205_1206delTG).
Protein change: p.Val402fs; shifts the reading frame from valine 402.
Molecular consequence: frameshift variant.
Genome position (GRCh38, 1-based): chr17:41,763,274-41,763,275, CA deleted on the plus strand (TG on the coding strand, the reverse complement: JUP is on the minus strand); deleting any 2 consecutive bases within chr17:41,763,274-41,763,278 gives the same sequence; the c. name uses the placement nearest the transcript's 3' end. VCF-style (leftmost placement, unchanged base first): chr17-41763273-CCA-C. GRCh37 (hg19) VCF-style: chr17-39919525-CCA-C.
Other names: c.1205_1206del, p.Val402fs (NM_001352773.2, NM_001352774.2, NM_001352775.2 and 3 more transcripts); short protein forms V402fs.
Identifiers: ClinVar variation 2923231 (VCV002923231.3), dbSNP rs1555602420, ClinGen allele CA626027653.
Genomic context (GRCh38, chr17:41,763,273, plus strand): 5'-TGTTGTTGCATGTCAGGTTGGAGAGTGTGCCCGTGGCACAGGTGAGGACGTTGACGTCAT[CCA>C]CACTCAGCTGATTCACCAGAATCTTCAGCACACTCTCCAGGCCCTCCTGGAGGGCAAGGA-3'